The following is an entry in ClinVar:

NM_021224.6(ZNF462):c.1783G>A (p.Ala595Thr)

Gene: ZNF462 (zinc finger protein 462; plus strand). Cytogenetic location: 9q31.2.
Variant type: single nucleotide variant.
Coding change: c.1783G>A on transcript NM_021224.6 (MANE Select); coding-DNA position 1783, G replaced by A.
Protein change: p.Ala595Thr; replaces alanine 595 with threonine.
Molecular consequence: missense variant.
Genome position (GRCh38, 1-based): chr9:106,925,695, G>A. VCF-style: chr9-106925695-G-A. GRCh37 (hg19) VCF-style: chr9-109687976-G-A.
Other names: c.1783G>A, p.Ala595Thr (NM_001347997.2); short protein forms A595T.
Identifiers: ClinVar variation 2304722 (VCV002304722.26), dbSNP rs201536868, ClinGen allele CA5171396.

ClinVar aggregate classification (germline): Likely benign. Review status: criteria provided, multiple submitters, no conflicts (2 of 4 stars). 2 submissions from 2 submitters: Likely benign (2). Last evaluated 2023-06-01.

Conditions:
Inborn genetic diseases. Identifiers: MedGen C0950123, MeSH D030342.

Allele frequency attached by ClinVar (database versions not stated): TOPMed 0.00011; gnomAD 0.00014; ExAC 0.00018.
gnomAD v4.1: 239 of 1,613,884 alleles (0.015%); highest among the groups gnomAD compares: Non-Finnish European, 0.015%; no homozygotes.

Submissions (2):

CeGaT Center for Human Genetics Tuebingen
Classification: Likely benign. Last evaluated: 2023-06-01. Review status: criteria provided, single submitter. Criteria: CeGaT Center For Human Genetics Tuebingen Variant Classification Criteria Version 2. Collection method: clinical testing. Allele origin: germline. Affected: yes. Observed: 1 variant allele.
Comment: ZNF462: BP4

Ambry Genetics
Classification: Likely benign for Inborn genetic diseases. Last evaluated: 2022-05-27. Review status: criteria provided, single submitter. Criteria: Ambry Variant Classification Scheme 2023. Collection method: clinical testing. Allele origin: germline.